The following is an entry in ClinVar:

ClinVar aggregate classification (germline): Likely pathogenic (1 of 4 stars; one submission).

Conditions:
Autosomal recessive limb-girdle muscular dystrophy type 2J (LGMDR10). Also called: Limb-girdle muscular dystrophy, type 2J; MUSCULAR DYSTROPHY, LIMB-GIRDLE, AUTOSOMAL RECESSIVE 10. Identifiers: Orphanet 140922, MedGen C1837342, MONDO:0012127, OMIM 608807.
Dilated cardiomyopathy 1G (CMD1G). Identifiers: Orphanet 154, MedGen C1858763, MONDO:0011400, OMIM 604145.

Submission:

Labcorp Genetics (formerly Invitae), Labcorp
Classification: Likely pathogenic for Dilated cardiomyopathy 1G; Autosomal recessive limb-girdle muscular dystrophy type 2J. Last evaluated: 2025-09-10. Review status: criteria provided, single submitter. Criteria: Invitae Variant Classification Sherloc (09022015). Collection method: clinical testing. Allele origin: germline.
Comment: This sequence change creates a premature translational stop signal (p.Ser20555Valfs*22) in the TTN gene. While this is not anticipated to result in nonsense mediated decay, it is expected to create a truncated TTN protein. This variant is not present in population databases (gnomAD no frequency). This variant has not been reported in the literature in individuals affected with TTN-related conditions. This variant is located in the A band of TTN (PMID: 25589632). Truncating variants in this region are significantly overrepresented in patients affected with dilated cardiomyopathy (PMID: 25589632). Truncating variants in this region have also been reported in individuals affected with autosomal recessive centronuclear myopathy (PMID: 23975875). In summary, the currently available evidence indicates that the variant is pathogenic, but additional data are needed to prove that conclusively. Therefore, this variant has been classified as Likely Pathogenic.

Literature cited by the submitters: PubMed 25589632; PubMed 23975875.

NM_001267550.2(TTN):c.61663del (p.Ser20555fs)

Genes: TTN (titin; minus strand), TTN-AS1 (TTN antisense RNA 1; plus strand). Cytogenetic location: 2q31.2.
Variant type: Deletion.
Coding change: c.61663del on transcript NM_001267550.2 (MANE Select); coding-DNA position 61663, one base deleted (A; older notation c.61663delA).
Protein change: p.Ser20555fs; shifts the reading frame from serine 20555.
Molecular consequence: frameshift variant.
Genome position (GRCh38, 1-based): chr2:178,590,062, T deleted on the plus strand (A on the coding strand, the reverse complement: TTN is on the minus strand). VCF-style (leftmost placement, unchanged base first): chr2-178590061-CT-C. GRCh37 (hg19) VCF-style: chr2-179454788-CT-C.
Other names: c.56740del, p.Ser18914fs (NM_001256850.1); c.34468del, p.Ser11490fs (NM_003319.4); c.53959del, p.Ser17987fs (NM_133378.4); c.34843del, p.Ser11615fs (NM_133432.3); c.35044del, p.Ser11682fs (NM_133437.4); short protein forms S18914fs, S11682fs, S11490fs, S20555fs, S11615fs, S17987fs.
Identifiers: ClinVar variation 4786100 (VCV004786100.1).